The following is an entry in ClinVar:

NM_207361.6(FREM2):c.9245G>A (p.Arg3082His)

Gene: FREM2 (FRAS1 related extracellular matrix 2; plus strand). Cytogenetic location: 13q13.3.
Variant type: single nucleotide variant.
Coding change: c.9245G>A on transcript NM_207361.6 (MANE Select); coding-DNA position 9245, G replaced by A.
Protein change: p.Arg3082His; replaces arginine 3082 with histidine.
Molecular consequence: missense variant.
Genome position (GRCh38, 1-based): chr13:38,880,522, G>A. VCF-style: chr13-38880522-G-A. GRCh37 (hg19) VCF-style: chr13-39454659-G-A.
Other names: short protein forms R3082H.
Identifiers: ClinVar variation 2229432 (VCV002229432.5), dbSNP rs149553690, ClinGen allele CA6956344.

ClinVar aggregate classification (germline): Uncertain significance. Review status: criteria provided, multiple submitters, no conflicts (2 of 4 stars). 3 submissions from 3 submitters: Uncertain significance (3). Last evaluated 2025-06-12.

Conditions:
Fraser syndrome 2 (FRASRS2). Identifiers: MedGen C4540036, MONDO:0054738, OMIM 617666.
Isolated cryptophthalmia. Also called: Cryptophthalmos, unilateral or bilateral, isolated; ANKYLOBLEPHARON, SIMPLE. Identifiers: Orphanet 91396, MedGen C1852453, MONDO:0007410, OMIM 123570.
Inborn genetic diseases. Identifiers: MedGen C0950123, MeSH D030342.

Allele frequency attached by ClinVar (database versions not stated): TOPMed 0.00007; ESP Exome Variant Server 0.00008; 1000 Genomes Project 30x 0.00016.
gnomAD v4.1: 43 of 1,614,094 alleles (0.0027%); highest among the groups gnomAD compares: African/African-American, 0.023%; no homozygotes.

Submissions (3):

Labcorp Genetics (formerly Invitae), Labcorp
Classification: Uncertain significance. Last evaluated: 2025-06-12. Review status: criteria provided, single submitter. Criteria: Invitae Variant Classification Sherloc (09022015). Collection method: clinical testing. Allele origin: germline.
Comment: This sequence change replaces arginine, which is basic and polar, with histidine, which is basic and polar, at codon 3082 of the FREM2 protein (p.Arg3082His). This variant is present in population databases (rs149553690, gnomAD 0.03%). This variant has not been reported in the literature in individuals affected with FREM2-related conditions. ClinVar contains an entry for this variant (Variation ID: 2229432). Invitae Evidence Modeling of protein sequence and biophysical properties (such as structural, functional, and spatial information, amino acid conservation, physicochemical variation, residue mobility, and thermodynamic stability) indicates that this missense variant is not expected to disrupt FREM2 protein function with a negative predictive value of 80%. In summary, the available evidence is currently insufficient to determine the role of this variant in disease. Therefore, it has been classified as a Variant of Uncertain Significance.

Fulgent Genetics
Classification: Uncertain significance for Isolated cryptophthalmia; Fraser syndrome 2. Last evaluated: 2024-06-04. Review status: criteria provided, single submitter. Criteria: ACMG Guidelines, 2015. Collection method: clinical testing. Allele origin: germline.

Ambry Genetics
Classification: Uncertain significance for Inborn genetic diseases. Last evaluated: 2021-08-12. Review status: criteria provided, single submitter. Criteria: Ambry Variant Classification Scheme 2023. Collection method: clinical testing. Allele origin: germline.